The following is an entry in ClinVar:

NM_005228.5(EGFR):c.1267C>G (p.Leu423Val)

Gene: EGFR (epidermal growth factor receptor; plus strand). Cytogenetic location: 7p11.2.
Variant type: single nucleotide variant.
Coding change: c.1267C>G on transcript NM_005228.5 (MANE Select); coding-DNA position 1267, C replaced by G.
Protein change: p.Leu423Val; replaces leucine 423 with valine.
Molecular consequence: missense variant.
Genome position (GRCh38, 1-based): chr7:55,157,722, C>G. VCF-style: chr7-55157722-C-G. GRCh37 (hg19) VCF-style: chr7-55225415-C-G.
Other names: c.1132C>G, p.Leu378Val (NM_001346897.2, NM_001346899.2); c.1267C>G, p.Leu423Val (NM_001346898.2, NM_201282.2, NM_201284.2); c.1108C>G, p.Leu370Val (NM_001346900.2); c.466C>G, p.Leu156Val (NM_001346941.2); short protein forms L156V, L423V, L370V, L378V.
Identifiers: ClinVar variation 4016695 (VCV004016695.1).

ClinVar aggregate classification (germline): Uncertain significance (1 of 4 stars; one submission).

Conditions:
Hereditary cancer-predisposing syndrome. Also called: Tumor predisposition; Hereditary neoplastic syndrome; Neoplastic Syndromes, Hereditary; Hereditary Cancer Syndrome. Identifiers: Orphanet 140162, MedGen C0027672, MeSH D009386, MONDO:0015356.

Submission:

Ambry Genetics
Classification: Uncertain significance for Hereditary cancer-predisposing syndrome. Last evaluated: 2025-03-20. Review status: criteria provided, single submitter. Criteria: Ambry Variant Classification Scheme 2023. Collection method: clinical testing. Allele origin: germline.
Comment: The p.L423V variant (also known as c.1267C>G), located in coding exon 11 of the EGFR gene, results from a C to G substitution at nucleotide position 1267. The leucine at codon 423 is replaced by valine, an amino acid with highly similar properties. This amino acid position is conserved. In addition, this alteration is predicted to be deleterious by in silico analysis. Based on the available evidence, the clinical significance of this variant remains unclear.